The following is an entry in ClinVar:

ClinVar aggregate classification (germline): Uncertain significance (1 of 4 stars; one submission).

Conditions:
Cardiovascular phenotype. Identifiers: MedGen CN230736.

Submission:

Ambry Genetics
Classification: Uncertain significance for Cardiovascular phenotype. Last evaluated: 2023-10-19. Review status: criteria provided, single submitter. Criteria: Ambry Variant Classification Scheme 2023. Collection method: clinical testing. Allele origin: germline.
Comment: The p.D4374G variant (also known as c.13121A>G), located in coding exon 90 of the RYR2 gene, results from an A to G substitution at nucleotide position 13121. The aspartic acid at codon 4374 is replaced by glycine, an amino acid with similar properties. This amino acid position is well conserved in available vertebrate species. In addition, this alteration is predicted to be deleterious by in silico analysis. Since supporting evidence is limited at this time, the clinical significance of this alteration remains unclear.

NM_001035.3(RYR2):c.13121A>G (p.Asp4374Gly)

Genes: RYR2 (ryanodine receptor 2; plus strand), LOC126806068 (BRD4-independent group 4 enhancer GRCh37_chr1:237947411-237948610; plus strand). Cytogenetic location: 1q43.
Variant type: single nucleotide variant.
Coding change: c.13121A>G on transcript NM_001035.3 (MANE Select); coding-DNA position 13121, A replaced by G.
Protein change: p.Asp4374Gly; replaces aspartic acid 4374 with glycine.
Molecular consequence: missense variant.
Genome position (GRCh38, 1-based): chr1:237,784,833, A>G. VCF-style: chr1-237784833-A-G. GRCh37 (hg19) VCF-style: chr1-237948133-A-G.
Other names: short protein forms D4374G.
Identifiers: ClinVar variation 3232383 (VCV003232383.1), dbSNP rs2527799742, ClinGen allele CA345415374.
Genomic context (GRCh38, chr1:237,784,833, plus strand): 5'-TGGAAGCCGCCCTGCCCTCCGAGGATCTGACCGACTTAAAGGAGCTGACAGAGGAAAGTG[A>G]CCTTCTTTCGGACATCTTTGGCCTGGATCTGAAGAGAGAAGGAGGACAGTACAAACTGAT-3'
Protein context (NP_001026.2, residues 4364-4384): TDLKELTEES[Asp4374Gly]LLSDIFGLDL